The following is an entry in ClinVar:

ClinVar aggregate classification (germline): Benign/Likely benign. Review status: criteria provided, multiple submitters, no conflicts (2 of 4 stars). 2 submissions from 2 submitters: Benign (1); Likely benign (1). Last evaluated 2024-05-13.

Conditions:
Hereditary cancer-predisposing syndrome. Also called: Tumor predisposition; Hereditary Cancer Syndrome; Neoplastic Syndromes, Hereditary; Hereditary neoplastic syndrome. Identifiers: Orphanet 140162, MedGen C0027672, MeSH D009386, MONDO:0015356.
Familial cancer of breast. Also called: BREAST CANCER, FAMILIAL; Hereditary breast cancer; hereditary breast carcinoma. Identifiers: Orphanet 227535, MedGen C0346153, MONDO:0016419, OMIM 114480. Disease mechanism: loss of function.

Submissions (2):

Myriad Genetics, Inc.
Classification: Benign for Familial cancer of breast. Last evaluated: 2024-05-13. Review status: criteria provided, single submitter. Criteria: Myriad Autosomal Dominant, Autosomal Recessive and X-Linked Classification Criteria (2023). Collection method: clinical testing. Allele origin: unknown.
Comment: This variant is considered benign. This variant is a silent/synonymous amino acid change and it is not expected to impact splicing.

Ambry Genetics
Classification: Likely benign for Hereditary cancer-predisposing syndrome. Last evaluated: 2018-03-21. Review status: criteria provided, single submitter. Criteria: Ambry Variant Classification Scheme 2023. Collection method: clinical testing. Allele origin: germline.

NM_000051.4(ATM):c.3021C>T (p.Asp1007=)

Gene: ATM (ATM serine/threonine kinase; plus strand). Cytogenetic location: 11q22.3.
Variant type: single nucleotide variant.
Coding change: c.3021C>T on transcript NM_000051.4 (MANE Select); coding-DNA position 3021, C replaced by T.
Protein change: p.Asp1007=; no amino-acid change (aspartic acid 1007 retained).
Molecular consequence: synonymous variant.
Genome position (GRCh38, 1-based): chr11:108,271,350, C>T. VCF-style: chr11-108271350-C-T. GRCh37 (hg19) VCF-style: chr11-108142077-C-T.
Other names: c.3021C>T, p.Asp1007= (NM_001351834.2).
Identifiers: ClinVar variation 822626 (VCV000822626.5), dbSNP rs1591604426, ClinGen allele CA476674392.